The following is an entry in ClinVar:

ClinVar aggregate classification (germline): Uncertain significance (1 of 4 stars; one submission).

Submission:

Labcorp Genetics (formerly Invitae), Labcorp
Classification: Uncertain significance. Last evaluated: 2022-09-06. Review status: criteria provided, single submitter. Criteria: Invitae Variant Classification Sherloc (09022015). Collection method: clinical testing. Allele origin: germline.
Comment: This variant has not been reported in the literature in individuals affected with PITPNM3-related conditions. In summary, the available evidence is currently insufficient to determine the role of this variant in disease. Therefore, it has been classified as a Variant of Uncertain Significance. Algorithms developed to predict the effect of missense changes on protein structure and function are either unavailable or do not agree on the potential impact of this missense change (SIFT: "Deleterious"; PolyPhen-2: "Probably Damaging"; Align-GVGD: "Class C0"). This variant is not present in population databases (gnomAD no frequency). This sequence change replaces glutamic acid, which is acidic and polar, with alanine, which is neutral and non-polar, at codon 34 of the PITPNM3 protein (p.Glu34Ala).

NM_031220.4(PITPNM3):c.101A>C (p.Glu34Ala)

Gene: PITPNM3 (PITPNM family member 3; minus strand). Cytogenetic location: 17p13.1.
Variant type: single nucleotide variant.
Coding change: c.101A>C on transcript NM_031220.4 (MANE Select); coding-DNA position 101, A replaced by C.
Protein change: p.Glu34Ala; replaces glutamic acid 34 with alanine.
Molecular consequence: missense variant.
Genome position (GRCh38, 1-based): chr17:6,538,004, T>G on the plus strand (A>C on the coding strand, the complement: PITPNM3 is on the minus strand). VCF-style: chr17-6538004-T-G. GRCh37 (hg19) VCF-style: chr17-6441324-T-G.
Other names: c.101A>C, p.Glu34Ala (NM_001165966.2); short protein forms E34A.
Identifiers: ClinVar variation 2132232 (VCV002132232.4), dbSNP rs2544140948, ClinGen allele CA397402786.